The following is an entry in ClinVar:

NM_012186.3(FOXE3):c.875C>G (p.Pro292Arg)

Genes: FOXE3 (forkhead box E3; plus strand), LINC01389 (long independently transcribed non-coding RNA 1389; minus strand). Cytogenetic location: 1p33.
Variant type: single nucleotide variant.
Coding change: c.875C>G on transcript NM_012186.3 (MANE Select); coding-DNA position 875, C replaced by G.
Protein change: p.Pro292Arg; replaces proline 292 with arginine.
Molecular consequence: missense variant.
Genome position (GRCh38, 1-based): chr1:47,417,190, C>G. VCF-style: chr1-47417190-C-G. GRCh37 (hg19) VCF-style: chr1-47882862-C-G.
Other names: short protein forms P292R.
Identifiers: ClinVar variation 5022009 (VCV005022009.1).

ClinVar aggregate classification (germline): Uncertain significance (1 of 4 stars; one submission).

Conditions:
Cardiovascular phenotype. Identifiers: MedGen CN230736.

gnomAD v4.1: 1 of 1,376,468 alleles (0.000073%); highest among the groups gnomAD compares: Non-Finnish European, 0.000093%; no homozygotes.

Submission:

Ambry Genetics
Classification: Uncertain significance for Cardiovascular phenotype. Last evaluated: 2026-07-13. Review status: criteria provided, single submitter. Criteria: Ambry Variant Classification Scheme 2023. Collection method: clinical testing. Allele origin: germline.
Comment: The p.P292R variant (also known as c.875C>G), located in coding exon 1 of the FOXE3 gene, results from a C to G substitution at nucleotide position 875. The proline at codon 292 is replaced by arginine, an amino acid with dissimilar properties. This amino acid position is conserved. In addition, this alteration is predicted to be tolerated by in silico analysis. Based on the available evidence, the clinical significance of this variant remains unclear.